The following is an entry in ClinVar:

ClinVar aggregate classification (germline): Likely pathogenic (1 of 4 stars; one submission).

Submission:

Labcorp Genetics (formerly Invitae), Labcorp
Classification: Likely pathogenic. Last evaluated: 2024-04-29. Review status: criteria provided, single submitter. Criteria: Invitae Variant Classification Sherloc (09022015). Collection method: clinical testing. Allele origin: germline.
Comment: This sequence change affects a donor splice site in intron 10 of the UBE3B gene. It is expected to disrupt RNA splicing. Variants that disrupt the donor or acceptor splice site typically lead to a loss of protein function (PMID: 16199547), and loss-of-function variants in UBE3B are known to be pathogenic (PMID: 23687348, 24615390). This variant is not present in population databases (gnomAD no frequency). This variant has not been reported in the literature in individuals affected with UBE3B-related conditions. Algorithms developed to predict the effect of sequence changes on RNA splicing suggest that this variant may disrupt the consensus splice site. In summary, the currently available evidence indicates that the variant is pathogenic, but additional data are needed to prove that conclusively. Therefore, this variant has been classified as Likely Pathogenic.

Literature cited by the submitters: PubMed 16199547; PubMed 23687348; PubMed 24615390.

NM_130466.4(UBE3B):c.819+1G>A

Gene: UBE3B (ubiquitin protein ligase E3B; plus strand). Cytogenetic location: 12q24.11.
Variant type: single nucleotide variant.
Coding change: c.819+1G>A on transcript NM_130466.4 (MANE Select); the canonical splice donor site of the intron after coding-DNA position 819, G replaced by A.
Molecular consequence: splice donor variant.
Genome position (GRCh38, 1-based): chr12:109,497,924, G>A. VCF-style: chr12-109497924-G-A. GRCh37 (hg19) VCF-style: chr12-109935729-G-A.
Other names: c.819+1G>A (NM_183415.3).
Identifiers: ClinVar variation 3622534 (VCV003622534.2).